The following is an entry in ClinVar:

ClinVar aggregate classification (germline): Conflicting classifications of pathogenicity. Review status: criteria provided, conflicting classifications (1 of 4 stars). 16 submissions from 12 submitters: Uncertain significance (3); Benign (5); Likely benign (5). 3 of the submissions do not count toward it. Last evaluated 2025-12-29.

Conditions:
Early-onset myopathy with fatal cardiomyopathy (CMYO5). Also called: CONGENITAL MYOPATHY 5 WITH CARDIOMYOPATHY; Salih Myopathy. Identifiers: Orphanet 289377, MedGen C2673677, MONDO:0012714, OMIM 611705. Disease mechanism: loss of function.
Cardiovascular phenotype. Identifiers: MedGen CN230736.
Myopathy, myofibrillar, 9, with early respiratory failure (MFM9). Also called: Myopathy, distal, with early respiratory failure, autosomal dominant; EDSTROM MYOPATHY; Hereditary myopathy with early respiratory failure; MYOPATHY, PROXIMAL, WITH EARLY RESPIRATORY MUSCLE INVOLVEMENT. Identifiers: Orphanet 178464, Orphanet 34521, MedGen C1863599, MONDO:0011362, OMIM 603689.
Tibial muscular dystrophy (TMD). Also called: Udd Distal Myopathy – Tibial Muscular Dystrophy; UDD MYOPATHY; Tibial muscular dystrophy, tardive. Identifiers: Orphanet 609, MedGen C1838244, MONDO:0010870, OMIM 600334.
Dilated cardiomyopathy 1G (CMD1G). Identifiers: Orphanet 154, MedGen C1858763, MONDO:0011400, OMIM 604145.
Autosomal recessive limb-girdle muscular dystrophy type 2J (LGMDR10). Also called: MUSCULAR DYSTROPHY, LIMB-GIRDLE, AUTOSOMAL RECESSIVE 10; Limb-girdle muscular dystrophy, type 2J. Identifiers: Orphanet 140922, MedGen C1837342, MONDO:0012127, OMIM 608807.
TTN-related disorder. Also called: TTN-related condition; TTN-related disease; TTN-related disorders.

Allele frequency attached by ClinVar (database versions not stated): gnomAD 0.00014 and 0.00015; ESP Exome Variant Server 0.00017; TOPMed 0.00018; gnomAD exomes 0.00020 and 0.00021; ExAC 0.00023; 1000 Genomes Project 30x 0.00062; 1000 Genomes Project 0.00080.
gnomAD v4.1: 311 of 1,611,822 alleles (0.019%); highest among the groups gnomAD compares: East Asian, 0.56%; 2 homozygotes.

Submissions (16):

Labcorp Genetics (formerly Invitae), Labcorp
Classification: Benign for Dilated cardiomyopathy 1G; Autosomal recessive limb-girdle muscular dystrophy type 2J. Last evaluated: 2025-12-29. Review status: criteria provided, single submitter. Criteria: Invitae Variant Classification Sherloc (09022015). Collection method: clinical testing. Allele origin: germline.

PreventionGenetics, part of Exact Sciences
Classification: Likely benign for TTN-related condition. Last evaluated: 2025-12-28. Review status: criteria provided, single submitter. Criteria: ACMG Guidelines, 2015. Collection method: clinical testing. Allele origin: germline.
Comment: This variant is classified as likely benign based on ACMG/AMP sequence variant interpretation guidelines (Richards et al. 2015 PMID: 25741868, with internal and published modifications).

Mayo Clinic Laboratories, Mayo Clinic
Classification: Likely benign. Last evaluated: 2025-09-26. Review status: criteria provided, single submitter. Criteria: ACMG Guidelines, 2015. Collection method: clinical testing. Allele origin: germline. Observed: 1 variant allele.
Comment: BS1, BS2_supporting, BP4, BP7

CeGaT Center for Human Genetics Tuebingen
Classification: Likely benign. Last evaluated: 2025-03-01. Review status: criteria provided, single submitter. Criteria: CeGaT Center For Human Genetics Tuebingen Variant Classification Criteria Version 2. Collection method: clinical testing. Allele origin: germline. Affected: yes. Observed: 1 variant allele.
Comment: TTN: BP4, BP7

Blueprint Genetics
Classification: Likely benign. Last evaluated: 2024-02-12. Review status: criteria provided, single submitter. Criteria: ACMG Guidelines, 2015. Collection method: clinical testing. Allele origin: germline.

Women's Health and Genetics/Laboratory Corporation of America, LabCorp
Classification: Likely benign. Last evaluated: 2023-12-03. Review status: criteria provided, single submitter. Criteria: LabCorp Variant Classification Summary - May 2015. Collection method: clinical testing. Allele origin: germline.

Ambry Genetics
Classification: Benign for Cardiovascular phenotype. Last evaluated: 2020-04-27. Review status: criteria provided, single submitter. Criteria: Ambry Variant Classification Scheme 2023. Collection method: clinical testing. Allele origin: germline.

Illumina Laboratory Services, Illumina
Classification: Uncertain significance for Autosomal recessive limb-girdle muscular dystrophy type 2J. Last evaluated: 2018-01-13. Review status: criteria provided, single submitter. Criteria: ICSL Variant Classification Criteria 13 December 2019. Collection method: clinical testing. Allele origin: germline.

Illumina Laboratory Services, Illumina
Classification: Benign for Myopathy, myofibrillar, 9, with early respiratory failure. Last evaluated: 2018-01-13. Review status: criteria provided, single submitter. Criteria: ICSL Variant Classification Criteria 13 December 2019. Collection method: clinical testing. Allele origin: germline.
Comment: This variant was observed in the ICSL laboratory as part of a predisposition screen in an ostensibly healthy population. It had not been previously curated by ICSL or reported in the Human Gene Mutation Database (HGMD: prior to June 1st, 2018), and was therefore a candidate for classification through an automated scoring system. Utilizing variant allele frequency, disease prevalence and penetrance estimates, and inheritance mode, an automated score was calculated to assess if this variant is too frequent to cause the disease. Based on the score and internal cut-off values, a variant classified as benign is not then subjected to further curation. The score for this variant resulted in a classification of benign for this disease.

Illumina Laboratory Services, Illumina
Classification: Benign for Tibial muscular dystrophy. Last evaluated: 2018-01-13. Review status: criteria provided, single submitter. Criteria: ICSL Variant Classification Criteria 13 December 2019. Collection method: clinical testing. Allele origin: germline.
Comment: the same text as in the submission from Illumina Laboratory Services, Illumina above.

Illumina Laboratory Services, Illumina
Classification: Uncertain significance for Early-onset myopathy with fatal cardiomyopathy. Last evaluated: 2018-01-13. Review status: criteria provided, single submitter. Criteria: ICSL Variant Classification Criteria 13 December 2019. Collection method: clinical testing. Allele origin: germline.

Illumina Laboratory Services, Illumina
Classification: Uncertain significance for Dilated cardiomyopathy 1G. Last evaluated: 2018-01-13. Review status: criteria provided, single submitter. Criteria: ICSL Variant Classification Criteria 13 December 2019. Collection method: clinical testing. Allele origin: germline.

GeneDx
Classification: Benign. Last evaluated: 2016-07-11. Review status: criteria provided, single submitter. Criteria: GeneDx Variant Classification (06012015). Collection method: clinical testing. Allele origin: germline. Affected: yes.
Comment: This variant is considered likely benign or benign based on one or more of the following criteria: it is a conservative change, it occurs at a poorly conserved position in the protein, it is predicted to be benign by multiple in silico algorithms, and/or has population frequency not consistent with disease.

Clinical Genetics DNA and cytogenetics Diagnostics Lab, Erasmus MC, Erasmus Medical Center
Classification: Likely benign. Review status: no assertion criteria provided. Collection method: clinical testing. Allele origin: germline. Affected: yes. Study: VKGL Data-share Consensus. Not counted in ClinVar's aggregate classification.

Diagnostic Laboratory, Department of Genetics, University Medical Center Groningen
Classification: Likely benign. Review status: no assertion criteria provided. Collection method: clinical testing. Allele origin: germline. Affected: yes. Study: VKGL Data-share Consensus. Not counted in ClinVar's aggregate classification.

Joint Genome Diagnostic Labs from Nijmegen and Maastricht, Radboudumc and MUMC+
Classification: Likely benign. Review status: no assertion criteria provided. Collection method: clinical testing. Allele origin: germline. Affected: yes. Study: VKGL Data-share Consensus. Not counted in ClinVar's aggregate classification.

NM_001267550.2(TTN):c.46800A>G (p.Glu15600=)

Genes: TTN (titin; minus strand), TTN-AS1 (TTN antisense RNA 1; plus strand). Cytogenetic location: 2q31.2.
Variant type: single nucleotide variant.
Coding change: c.46800A>G on transcript NM_001267550.2 (MANE Select); coding-DNA position 46800, A replaced by G.
Protein change: p.Glu15600=; no amino-acid change (glutamic acid 15600 retained).
Molecular consequence: synonymous variant.
Genome position (GRCh38, 1-based): chr2:178,618,750, T>C on the plus strand (A>G on the coding strand, the complement: TTN is on the minus strand). VCF-style: chr2-178618750-T-C. GRCh37 (hg19) VCF-style: chr2-179483477-T-C.
Other names: p.Glu13959=; c.41877A>G, p.Glu13959= (NM_001256850.1); c.19605A>G, p.Glu6535= (NM_003319.4); c.39096A>G, p.Glu13032= (NM_133378.4); c.19980A>G, p.Glu6660= (NM_133432.3); c.20181A>G, p.Glu6727= (NM_133437.4).
Identifiers: ClinVar variation 332857 (VCV000332857.45), dbSNP rs190058852, ClinGen allele CA1995166.
Genomic context (GRCh38, chr2:178,618,750, plus strand): 5'-AGTTTGTTCAGCCGTAGTATCAATGGTTTTTGTAGATAAAGGTTCATTTTCTTTAAACCA[T>C]TCAGCTTCTGCTTTGGGGTAGGCATCATATGGCACCACCATTGTCAGAGGCTTGCCAACA-3'
Protein context (NP_001254479.2, residues 15590-15610): PYDAYPKAEA[Glu15600=]WFKENEPLST